The following is an entry in ClinVar:

ClinVar aggregate classification (germline): Uncertain significance. Review status: criteria provided, multiple submitters, no conflicts (2 of 4 stars). 2 submissions from 2 submitters: Uncertain significance (2). Last evaluated 2026-03-12.

Conditions:
Hereditary cancer-predisposing syndrome. Also called: Hereditary neoplastic syndrome; Tumor predisposition; Neoplastic Syndromes, Hereditary; Hereditary Cancer Syndrome. Identifiers: Orphanet 140162, MedGen C0027672, MeSH D009386, MONDO:0015356.

Submissions (2):

Ambry Genetics
Classification: Uncertain significance for Hereditary cancer-predisposing syndrome. Last evaluated: 2026-03-12. Review status: criteria provided, single submitter. Criteria: Ambry Variant Classification Scheme 2023. Collection method: clinical testing. Allele origin: germline.
Comment: The p.G1936E variant (also known as c.5807G>A), located in coding exon 42 of the POLE gene, results from a G to A substitution at nucleotide position 5807. The glycine at codon 1936 is replaced by glutamic acid, an amino acid with similar properties. This amino acid position is conserved. In addition, the in silico prediction for this alteration is inconclusive. Based on the available evidence, the clinical significance of this variant remains unclear.

Labcorp Genetics (formerly Invitae), Labcorp
Classification: Uncertain significance. Last evaluated: 2021-11-15. Review status: criteria provided, single submitter. Criteria: Invitae Variant Classification Sherloc (09022015). Collection method: clinical testing. Allele origin: germline.
Comment: This sequence change replaces glycine, which is neutral and non-polar, with glutamic acid, which is acidic and polar, at codon 1936 of the POLE protein (p.Gly1936Glu). This variant is not present in population databases (gnomAD no frequency). This variant has not been reported in the literature in individuals affected with POLE-related conditions. Algorithms developed to predict the effect of missense changes on protein structure and function are either unavailable or do not agree on the potential impact of this missense change (SIFT: "Deleterious"; PolyPhen-2: "Benign"; Align-GVGD: "Class C0"). In summary, the available evidence is currently insufficient to determine the role of this variant in disease. Therefore, it has been classified as a Variant of Uncertain Significance.

NM_006231.4(POLE):c.5807G>A (p.Gly1936Glu)

Gene: POLE (DNA polymerase epsilon, catalytic subunit; minus strand). Cytogenetic location: 12q24.33.
Variant type: single nucleotide variant.
Coding change: c.5807G>A on transcript NM_006231.4 (MANE Select); coding-DNA position 5807, G replaced by A.
Protein change: p.Gly1936Glu; replaces glycine 1936 with glutamic acid.
Molecular consequence: missense variant.
Genome position (GRCh38, 1-based): chr12:132,635,896, C>T on the plus strand (G>A on the coding strand, the complement: POLE is on the minus strand). VCF-style: chr12-132635896-C-T. GRCh37 (hg19) VCF-style: chr12-133212482-C-T.
Other names: c.5807G>A (NM_006231.2); short protein forms G1936E.
Identifiers: ClinVar variation 1393515 (VCV001393515.7), dbSNP rs2138484574, ClinGen allele CA387372678.